The following is an entry in ClinVar:

NM_002609.4(PDGFRB):c.1020C>G (p.Phe340Leu)

Gene: PDGFRB (platelet derived growth factor receptor beta; minus strand). Cytogenetic location: 5q32.
Variant type: single nucleotide variant.
Coding change: c.1020C>G on transcript NM_002609.4 (MANE Select); coding-DNA position 1020, C replaced by G.
Protein change: p.Phe340Leu; replaces phenylalanine 340 with leucine.
Molecular consequence: missense variant.
Genome position (GRCh38, 1-based): chr5:150,132,857, G>C on the plus strand (C>G on the coding strand, the complement: PDGFRB is on the minus strand). VCF-style: chr5-150132857-G-C. GRCh37 (hg19) VCF-style: chr5-149512420-G-C.
Other names: c.828C>G, p.Phe276Leu (NM_001355016.2); c.537C>G, p.Phe179Leu (NM_001355017.2); short protein forms F179L, F276L, F340L.
Identifiers: ClinVar variation 1723536 (VCV001723536.2), dbSNP rs775533791, ClinGen allele CA361720190.

ClinVar aggregate classification (germline): Uncertain significance (1 of 4 stars; one submission).

Submission:

GeneDx
Classification: Uncertain significance. Last evaluated: 2022-05-11. Review status: criteria provided, single submitter. Criteria: GeneDx Variant Classification Process June 2021. Collection method: clinical testing. Allele origin: germline. Affected: yes.
Comment: Not observed at significant frequency in large population cohorts (gnomAD); In silico analysis supports that this missense variant does not alter protein structure/function; Has not been previously published as pathogenic or benign to our knowledge